The following is an entry in ClinVar:

ClinVar aggregate classification (germline): Uncertain significance (1 of 4 stars; one submission).

Conditions:
Focal segmental glomerulosclerosis 5 (FSGS5). Identifiers: Orphanet 656, MedGen C2750475, MONDO:0013191, OMIM 613237.
Charcot-Marie-Tooth disease dominant intermediate E. Also called: CHARCOT-MARIE-TOOTH NEUROPATHY WITH FOCAL SEGMENTAL GLOMERULONEPHRITIS. Identifiers: Orphanet 93114, MedGen C4302667, MONDO:0013758, OMIM 614455.

Allele frequency attached by ClinVar (database versions not stated): gnomAD exomes below 0.00001.
gnomAD v4.1: 1 of 1,562,848 alleles (0.000064%); highest among the groups gnomAD compares: Non-Finnish European, 0.000087%; no homozygotes.

Submission:

Labcorp Genetics (formerly Invitae), Labcorp
Classification: Uncertain significance for Charcot-Marie-Tooth disease dominant intermediate E; Focal segmental glomerulosclerosis 5. Last evaluated: 2018-12-27. Review status: criteria provided, single submitter. Criteria: Invitae Variant Classification Sherloc (09022015). Collection method: clinical testing. Allele origin: germline.
Comment: This variant is not present in population databases (ExAC no frequency). In summary, the available evidence is currently insufficient to determine the role of this variant in disease. Therefore, it has been classified as a Variant of Uncertain Significance. Algorithms developed to predict the effect of missense changes on protein structure and function (SIFT, PolyPhen-2, Align-GVGD) all suggest that this variant is likely to be tolerated, but these predictions have not been confirmed by published functional studies and their clinical significance is uncertain. This variant has not been reported in the literature in individuals with INF2-related conditions. This sequence change replaces proline with alanine at codon 396 of the INF2 protein (p.Pro396Ala). The proline residue is weakly conserved and there is a small physicochemical difference between proline and alanine.

NM_022489.4(INF2):c.1186C>G (p.Pro396Ala)

Gene: INF2 (inverted formin 2; plus strand). Cytogenetic location: 14q32.33.
Variant type: single nucleotide variant.
Coding change: c.1186C>G on transcript NM_022489.4 (MANE Select); coding-DNA position 1186, C replaced by G.
Protein change: p.Pro396Ala; replaces proline 396 with alanine.
Molecular consequence: missense variant.
Genome position (GRCh38, 1-based): chr14:104,707,453, C>G. VCF-style: chr14-104707453-C-G. GRCh37 (hg19) VCF-style: chr14-105173790-C-G.
Other names: c.1186C>G, p.Pro396Ala (NM_001031714.4); short protein forms P396A.
Identifiers: ClinVar variation 644731 (VCV000644731.8), dbSNP rs1416561484, ClinGen allele CA391216043.